The following is an entry in ClinVar:

ClinVar aggregate classification (germline): Uncertain significance (1 of 4 stars; one submission).

Allele frequency attached by ClinVar (database versions not stated): TOPMed below 0.00001; gnomAD 0.00001; ExAC 0.00002.
gnomAD v4.1: 2 of 1,595,022 alleles (0.00013%); highest among the groups gnomAD compares: Admixed American, 0.0035%; no homozygotes.

Submission:

Labcorp Genetics (formerly Invitae), Labcorp
Classification: Uncertain significance. Last evaluated: 2022-06-12. Review status: criteria provided, single submitter. Criteria: Invitae Variant Classification Sherloc (09022015). Collection method: clinical testing. Allele origin: germline.
Comment: In summary, the available evidence is currently insufficient to determine the role of this variant in disease. Therefore, it has been classified as a Variant of Uncertain Significance. Algorithms developed to predict the effect of missense changes on protein structure and function are either unavailable or do not agree on the potential impact of this missense change (SIFT: "Deleterious"; PolyPhen-2: "Benign"; Align-GVGD: "Class C0"). This variant has not been reported in the literature in individuals affected with APC2-related conditions. The frequency data for this variant in the population databases is considered unreliable, as metrics indicate poor data quality at this position in the gnomAD database. This sequence change replaces glycine, which is neutral and non-polar, with glutamic acid, which is acidic and polar, at codon 794 of the APC2 protein (p.Gly794Glu).

NM_005883.3(APC2):c.2381G>A (p.Gly794Glu)

Gene: APC2 (APC regulator of Wnt signaling pathway 2; plus strand). Cytogenetic location: 19p13.3.
Variant type: single nucleotide variant.
Coding change: c.2381G>A on transcript NM_005883.3 (MANE Select); coding-DNA position 2381, G replaced by A.
Protein change: p.Gly794Glu; replaces glycine 794 with glutamic acid.
Molecular consequence: missense variant.
Genome position (GRCh38, 1-based): chr19:1,465,682, G>A. VCF-style: chr19-1465682-G-A. GRCh37 (hg19) VCF-style: chr19-1465681-G-A.
Other names: c.2378G>A, p.Gly793Glu (NM_001351273.1); short protein forms G793E, G794E.
Identifiers: ClinVar variation 2168771 (VCV002168771.4), dbSNP rs752896405, ClinGen allele CA9045434.